The following is an entry in ClinVar:

ClinVar aggregate classification (germline): Likely pathogenic. Review status: criteria provided, multiple submitters, no conflicts (2 of 4 stars). 3 submissions from 3 submitters: Likely pathogenic (2). 1 of the submissions does not count toward it. Last evaluated 2022-08-05.

Conditions:
Inborn genetic diseases. Identifiers: MedGen C0950123, MeSH D030342.
Lipoyl transferase 1 deficiency. Also called: Lipoyltransferase 1 deficiency. Identifiers: Orphanet 401862, MedGen C4225379, MONDO:0014576, OMIM 616299.

Allele frequency attached by ClinVar (database versions not stated): gnomAD exomes 0.00001 and below 0.00001; gnomAD 0.00001.
gnomAD v4.1: 13 of 1,614,080 alleles (0.00081%); highest among the groups gnomAD compares: Non-Finnish European, 0.001%; no homozygotes.

Submissions (3):

Illumina Laboratory Services, Illumina
Classification: Likely pathogenic. Last evaluated: 2022-08-05. Review status: criteria provided, single submitter. Criteria: ICSL CNVClassificationCriteria Aug2020. Collection method: clinical testing. Allele origin: unknown. Affected: yes.
Comment: The LIPT1 c.131A>G (p.Asn44Ser) missense variant results in the substitution of asparagine at amino acid position 44 with serine. The c.131A>G variant is reported compound heterozygous state with a nonsense variant in one affected individual in the literature, a child with abnormal development, seizures, and lactic acidemia and with two similarly affected siblings who were not genotyped (PMID: 31042466). Transfection of patient fibroblasts with the c.131A>G variant resulted in partial restoration of lipoylation and PDHA1 phosphorylation compare to transfection with the WT allele, suggesting it is hypomorphic allele (PMID: 31042466). A mouse model homozygous for the c.131A>G variant was not viable, but fetuses showed developmental and biochemical features consistent with the human phenotype (PMID: 31042466; PMID: 35388219). Additionally, the Asn44 residue is conserved and structural modelling suggests that it interacts with other conserved residues in the N-terminal domain (PMID: 31042466). The p.Asn44Ser variant is reported in one allele at a frequency of 0.00001470 in the European (non-Finnish) population of the Genome Aggregation Database (version 3.1.2). Based on the available evidence, c.131A>G (p.Asn44Ser) variant is classified as likely pathogenic for lipoyltransferase 1 deficiency.

Ambry Genetics
Classification: Likely pathogenic for Inborn genetic diseases. Last evaluated: 2022-01-21. Review status: criteria provided, single submitter. Criteria: Ambry Variant Classification Scheme 2023. Collection method: clinical testing. Allele origin: germline.
Comment: The c.131A>G (p.N44S) alteration is located in exon 3 (coding exon 1) of the LIPT1 gene. This alteration results from an A to G substitution at nucleotide position 131, causing the asparagine (N) at amino acid position 44 to be replaced by a serine (S). Based on data from gnomAD, the G allele has an overall frequency of <0.01% (1/251382) total alleles studied. This alteration was detected in trans with a frameshift alteration in LIPT1 in an individual with abnormal development, seizures, lactic acidemia, hypotonia, along with 70% reduction in pyruvate dehydrogenase (PDH) activity in skin fibroblasts and low normal alpha dehydrogenase (AKGDH) activity (Ni, 2019). This amino acid position is highly conserved in available vertebrate species. In vitro and in vivo experimental studies show that this alteration led to abnormal lipoylation and impaired activation of PDH and AKGDH (Ni, 2019). This alteration is predicted to be tolerated by in silico analysis. Based on the available evidence, this alteration is classified as likely pathogenic.

Baylor Genetics
Classification: Uncertain significance for Lipoyl transferase 1 deficiency. Last evaluated: 2017-09-01. Review status: flagged submission. Criteria: ACMG Guidelines, 2015. Collection method: clinical testing. Allele origin: germline. Inheritance: Autosomal recessive inheritance. Affected: yes. Not counted in ClinVar's aggregate classification.
ClinVar note: Notes: Claim says variant is likely pathogenic in evidence summary, but submitted an interpretation of uncertain significance.
ClinVar note: Reason: Other submission error

Literature cited by the submitters: PubMed 31042466 (cited by Illumina Laboratory Services, Illumina and Ambry Genetics); PubMed 35388219 (cited by Illumina Laboratory Services, Illumina); PubMed 25326635 (cited by Baylor Genetics).

NM_145199.3(LIPT1):c.131A>G (p.Asn44Ser)

Genes: LIPT1 (lipoyltransferase 1; plus strand), MITD1 (microtubule interacting and trafficking domain containing 1; minus strand). Cytogenetic location: 2q11.2.
Variant type: single nucleotide variant.
Coding change: c.131A>G on transcript NM_145199.3 (MANE Select); coding-DNA position 131, A replaced by G.
Protein change: p.Asn44Ser; replaces asparagine 44 with serine.
Molecular consequence: missense variant. On other transcripts: non-coding transcript variant (2).
Genome position (GRCh38, 1-based): chr2:99,162,088, A>G. VCF-style: chr2-99162088-A-G. GRCh37 (hg19) VCF-style: chr2-99778551-A-G.
Other names: c.131A>G, p.Asn44Ser (NM_001204830.2, NM_015929.4, NM_145197.3 and 1 more transcripts); short protein forms N44S.
Identifiers: ClinVar variation 433559 (VCV000433559.8), dbSNP rs1468529365, ClinGen allele CA347851259.